The following is an entry in ClinVar:

ClinVar aggregate classification (germline): Uncertain significance (1 of 4 stars; one submission).

Allele frequency attached by ClinVar (database versions not stated): gnomAD exomes below 0.00001.
gnomAD v4.1: 2 of 1,613,716 alleles (0.00012%); highest among the groups gnomAD compares: Admixed American, 0.0017%; no homozygotes.

Submission:

Labcorp Genetics (formerly Invitae), Labcorp
Classification: Uncertain significance. Last evaluated: 2025-02-10. Review status: criteria provided, single submitter. Criteria: Invitae Variant Classification Sherloc (09022015). Collection method: clinical testing. Allele origin: germline.
Comment: This sequence change replaces glycine, which is neutral and non-polar, with glutamic acid, which is acidic and polar, at codon 19 of the GINS1 protein (p.Gly19Glu). This variant is present in population databases (no rsID available, gnomAD 0.003%). This variant has not been reported in the literature in individuals affected with GINS1-related conditions. ClinVar contains an entry for this variant (Variation ID: 2101786). An algorithm developed to predict the effect of missense changes on protein structure and function (PolyPhen-2) suggests that this variant is likely to be disruptive. In summary, the available evidence is currently insufficient to determine the role of this variant in disease. Therefore, it has been classified as a Variant of Uncertain Significance.

NM_021067.5(GINS1):c.56G>A (p.Gly19Glu)

Genes: GINS1 (GINS complex subunit 1; plus strand), LOC130065587 (ATAC-STARR-seq lymphoblastoid active region 17669; plus strand). Cytogenetic location: 20p11.21.
Variant type: single nucleotide variant.
Coding change: c.56G>A on transcript NM_021067.5 (MANE Select); coding-DNA position 56, G replaced by A.
Protein change: p.Gly19Glu; replaces glycine 19 with glutamic acid.
Molecular consequence: missense variant. On other transcripts: non-coding transcript variant (1).
Genome position (GRCh38, 1-based): chr20:25,407,876, G>A. VCF-style: chr20-25407876-G-A. GRCh37 (hg19) VCF-style: chr20-25388512-G-A.
Other names: c.56G>A, p.Gly19Glu (NM_001410830.1, NM_001410831.1); short protein forms G19E.
Identifiers: ClinVar variation 2101786 (VCV002101786.4), dbSNP rs1167848132, ClinGen allele CA408446364.